The following is an entry in ClinVar:

NM_006268.5(DPF2):c.558G>A (p.Lys186=)

Gene: DPF2 (double PHD fingers 2; plus strand). Cytogenetic location: 11q13.1.
Variant type: single nucleotide variant.
Coding change: c.558G>A on transcript NM_006268.5 (MANE Select); coding-DNA position 558, G replaced by A.
Protein change: p.Lys186=; no amino-acid change (lysine 186 retained).
Molecular consequence: synonymous variant.
Genome position (GRCh38, 1-based): chr11:65,343,837, G>A. VCF-style: chr11-65343837-G-A. GRCh37 (hg19) VCF-style: chr11-65111308-G-A.
Other names: c.558G>A, p.Lys186= (NM_001330308.2).
Identifiers: ClinVar variation 1800509 (VCV001800509.1), dbSNP rs1160291415, ClinGen allele CA475009904.

ClinVar aggregate classification (germline): Uncertain significance (1 of 4 stars; one submission).

Submission:

GeneDx
Classification: Uncertain significance. Last evaluated: 2022-05-16. Review status: criteria provided, single submitter. Criteria: GeneDx Variant Classification Process June 2021. Collection method: clinical testing. Allele origin: germline. Affected: yes.
Comment: Not observed at significant frequency in large population cohorts (gnomAD); In silico analysis supports that this variant does not alter splicing; Has not been previously published as pathogenic or benign to our knowledge